The following is an entry in ClinVar:

ClinVar aggregate classification (germline): Pathogenic (0 of 4 stars; one submission).

Conditions:
Fanconi anemia complementation group A (FANCA). Also called: Fanconi anemia, group A; FANCA-Related Fanconi Anemia. Identifiers: Orphanet 84, MedGen C3469521, MONDO:0009215, OMIM 227650.

Submission:

Leiden Open Variation Database
Classification: Pathogenic for Fanconi anemia complementation group A. Last evaluated: 2020-02-28. Review status: no assertion criteria provided. Collection method: curation. Allele origin: germline. Affected: yes.
Comment: Curator: Arleen D. Auerbach. Submitter to LOVD: Arleen D. Auerbach.

NC_000016.10:g.(89758706_89761948)_(89779958_89782858)del

Gene: FANCA (FA complementation group A; minus strand). Cytogenetic location: 16q24.3.
Variant type: Deletion.
Identifiers: ClinVar variation 974016 (VCV000974016.1).